The following is an entry in ClinVar:

NM_000038.6(APC):c.8462A>G (p.Asp2821Gly)

Gene: APC (APC regulator of Wnt signaling pathway; plus strand). Cytogenetic location: 5q22.2.
Variant type: single nucleotide variant.
Coding change: c.8462A>G on transcript NM_000038.6 (MANE Select); coding-DNA position 8462, A replaced by G.
Protein change: p.Asp2821Gly; replaces aspartic acid 2821 with glycine.
Molecular consequence: missense variant.
Genome position (GRCh38, 1-based): chr5:112,844,056, A>G. VCF-style: chr5-112844056-A-G. GRCh37 (hg19) VCF-style: chr5-112179753-A-G.
Other names: c.8462A>G, p.Asp2821Gly (NM_001127510.3, NM_001354895.2); c.8408A>G, p.Asp2803Gly (NM_001127511.3); c.8516A>G, p.Asp2839Gly (NM_001354896.2); c.8492A>G, p.Asp2831Gly (NM_001354897.2); c.8387A>G, p.Asp2796Gly (NM_001354898.2); c.8378A>G, p.Asp2793Gly (NM_001354899.2); c.8339A>G, p.Asp2780Gly (NM_001354900.2); c.8285A>G, p.Asp2762Gly (NM_001354901.2); and 5 more; short protein forms D2803G, D2821G, D2780G, D2793G, D2839G, D2661G, D2695G, D2831G.
Identifiers: ClinVar variation 216188 (VCV000216188.36), dbSNP rs780049836, ClinGen allele CA050869.

ClinVar aggregate classification (germline): Conflicting classifications of pathogenicity. Review status: criteria provided, conflicting classifications (1 of 4 stars). 12 submissions from 12 submitters: Uncertain significance (3); Benign (1); Likely benign (7). 1 of the submissions does not count toward it. Last evaluated 2026-04-21.

Conditions:
APC-related disorder. Also called: APC-related condition.
Classic or attenuated familial adenomatous polyposis. Identifiers: MedGen CN372698, MONDO:0021057.
Carcinoma of colon (CRC). Also called: Colon carcinoma; Colonic carcinoma. Identifiers: MedGen C0699790, MONDO:0002032.
Desmoid disease, hereditary (DESMD). Also called: FIBROMATOSIS, FAMILIAL INFILTRATIVE. Identifiers: Orphanet 873, MedGen C1851124, OMIM 135290. Disease mechanism: loss of function.
Familial adenomatous polyposis 1 (FAP1). Also called: FAMILIAL ADENOMATOUS POLYPOSIS 1, ATTENUATED; POLYPOSIS, ADENOMATOUS INTESTINAL. Identifiers: MedGen C2713442, MONDO:0021056, OMIM 175100. Disease mechanism: loss of function.
Neoplasm of stomach. Also called: Neoplasm of the stomach; Gastric neoplasm; Stomach Neoplasms. Identifiers: MedGen C0038356, MONDO:0021085, HP:0006753. Disease mechanism: gain of function. Inheritance: Somatic mutation.
Hepatocellular carcinoma (HCC). Also called: Primary carcinoma of liver; HEPATOMA; LIVER CELL CARCINOMA. Identifiers: Orphanet 88673, MedGen C2239176, MONDO:0007256, OMIM 114550, HP:0001402.
Hereditary cancer-predisposing syndrome. Also called: Neoplastic Syndromes, Hereditary; Tumor predisposition; Hereditary Cancer Syndrome; Hereditary neoplastic syndrome. Identifiers: Orphanet 140162, MedGen C0027672, MeSH D009386, MONDO:0015356.

Allele frequency attached by ClinVar (database versions not stated): gnomAD exomes 0.00001 and 0.00003; ExAC 0.00002; gnomAD 0.00017 and 0.00021; TOPMed 0.00024.
gnomAD v4.1: 50 of 1,604,312 alleles (0.0031%); highest among the groups gnomAD compares: African/African-American, 0.055%; no homozygotes.

Submissions (12):

Dasa
Classification: Likely benign. Last evaluated: 2026-04-21. Review status: criteria provided, single submitter. Criteria: DASA Assertion Criteria. Collection method: clinical testing. Allele origin: germline.
Comment: NM_000038.6(APC):c.8462A>G (p.Asp2821Gly) is interpreted based on available population and clinical evidence, including population frequency and no convincing observation in affected individuals. Based on the available data, this variant is classified as likely benign.

Labcorp Genetics (formerly Invitae), Labcorp
Classification: Likely benign for Familial adenomatous polyposis 1. Last evaluated: 2026-01-11. Review status: criteria provided, single submitter. Criteria: Invitae Variant Classification Sherloc (09022015). Collection method: clinical testing. Allele origin: germline.

Color Diagnostics, LLC DBA Color Health
Classification: Likely benign for Hereditary cancer-predisposing syndrome. Last evaluated: 2025-11-24. Review status: criteria provided, single submitter. Criteria: ACMG Guidelines, 2015. Collection method: clinical testing. Allele origin: germline.

PreventionGenetics, part of Exact Sciences
Classification: Likely benign for APC-related condition. Last evaluated: 2025-09-07. Review status: criteria provided, single submitter. Criteria: ACMG Guidelines, 2015. Collection method: clinical testing. Allele origin: germline.
Comment: This variant is classified as likely benign based on ACMG/AMP sequence variant interpretation guidelines (Richards et al. 2015 PMID: 25741868, with internal and published modifications).

Myriad Genetics, Inc.
Classification: Likely benign for Familial adenomatous polyposis 1. Last evaluated: 2025-01-29. Review status: criteria provided, single submitter. Criteria: Myriad Autosomal Dominant, Autosomal Recessive and X-Linked Classification Criteria (2023). Collection method: clinical testing. Allele origin: unknown.
Comment: This variant is considered likely benign. This variant has been observed at a population frequency that is significantly greater than expected given the associated disease prevalence and penetrance.

All of Us Research Program, National Institutes of Health
Classification: Uncertain significance for Classic or attenuated familial adenomatous polyposis. Last evaluated: 2024-06-09. Review status: criteria provided, single submitter. Criteria: ACMG Guidelines, 2015. Collection method: clinical testing. Allele origin: germline. Inheritance: Autosomal dominant inheritance. Observed: 12 variant alleles, 12 heterozygotes.
Comment: This missense variant replaces aspartic acid with glycine at codon 2821 of the APC protein. Computational prediction suggests that this variant may not impact protein structure and function (internally defined REVEL score threshold <= 0.5, PMID: 27666373). To our knowledge, functional studies have not been reported for this variant. This variant has not been reported in individuals affected with APC-related disorders in the literature. The variant has been reported in an individual affected with breast cancer (PMID: 26976419) and in an individual affected with acute lymphoblastic leukemia (PMID: 26580448). This variant has been identified in 10/271548 chromosomes in the general population by the Genome Aggregation Database (gnomAD). The available evidence is insufficient to determine the role of this variant in disease conclusively. Therefore, this variant is classified as a Variant of Uncertain Significance.

This study involves interpretation of variants in research participants for the purpose of population health screening. Participant phenotype was not available at the time of variant classification. Additional details can be found in publication PMID: 35346344, PMCID: PMC8962531

Women's Health and Genetics/Laboratory Corporation of America, LabCorp
Classification: Likely benign. Last evaluated: 2022-01-31. Review status: criteria provided, single submitter. Criteria: LabCorp Variant Classification Summary - May 2015. Collection method: clinical testing. Allele origin: germline.
Comment: Variant summary: APC c.8462A>G (p.Asp2821Gly) results in a non-conservative amino acid change located in the EB-1 binding domain (IPR009232) of the encoded protein sequence. Three of five in-silico tools predict a damaging effect of the variant on protein function. The variant allele was found at a frequency of 0.00018 in 150974 control chromosomes, predominantly at a frequency of 0.00055 within the African or African-American subpopulation in the gnomAD v3.1.2 database. The observed variant frequency within African or African-American control individuals in the gnomAD database is approximately 8-fold of the estimated maximal expected allele frequency for a pathogenic variant in APC causing Familial Adenomatous Polyposis phenotype (7.1e-05), strongly suggesting that the variant is a benign polymorphism found primarily in populations of African or African-American origin. c.8462A>G has been reported in the literature in an individual affected with breast cancer (Tung_2016) and as a likely benign variant in an individual with BCR-ABL rearrangement positive ALL (Zhang_2015). These reports do not provide unequivocal conclusions about association of the variant with Familial Adenomatous Polyposis. At least two co-occurrences with pathogenic variants have been observed at our laboratory (PALB2 c.172_175delTTGT, p.Gln60fsX7 and MLH1 c.199G>A, p.Gly67Arg), providing additional supporting evidence for a benign role. To our knowledge, no experimental evidence demonstrating an impact on protein function has been reported. Five ClinVar submitters (evaluation after 2014) cite the variant as uncertain significance and one ClinVar submitter (evaluation after 2014) cites it as likely benign. Some submitters cite overlapping evidence utilized in the context of this evaluation. Based on the evidence outlined above, the variant was re-classified as likely benign.

Sema4
Classification: Uncertain significance for Hereditary cancer-predisposing syndrome. Last evaluated: 2021-08-07. Review status: criteria provided, single submitter. Criteria: Sema4 Curation Guidelines. Collection method: curation. Allele origin: germline.
Comment: The APC c.8462A>G (p.D2821G) variant has been reported in an individual with breast cancer, and a pediatric patient with BCR-ABL re-arrangement positive acute lymphoblastic leukemia (PMID: 26976419, 26580448). This variant was observed in 9/24748 chromosomes in the African/African American population, according to the Genome Aggregation Database (PMID: 32461654). This variant has been reported in ClinVar (Variation ID 216188). Functional studies have not been performed, and in silico predictions of the variant's effect on protein function are inconclusive. The overall evidence is insufficient to meet ACMG/AMP criteria for classifying it as benign or pathogenic. In summary, the clinical significance of this variant is currently uncertain.

Ambry Genetics
Classification: Benign for Hereditary cancer-predisposing syndrome. Last evaluated: 2021-03-16. Review status: criteria provided, single submitter. Criteria: Ambry Variant Classification Scheme 2023. Collection method: clinical testing. Allele origin: germline.

GeneDx
Classification: Likely benign. Last evaluated: 2021-02-11. Review status: criteria provided, single submitter. Criteria: GeneDx Variant Classification Process June 2021. Collection method: clinical testing. Allele origin: germline. Affected: yes.
Comment: In silico analysis, which includes protein predictors and evolutionary conservation, supports that this variant does not alter protein structure/function; This variant is associated with the following publications: (PMID: 26976419, 26580448, 25741868)

Fulgent Genetics
Classification: Uncertain significance for Colorectal cancer; Hepatocellular carcinoma; Desmoid disease, hereditary; Familial adenomatous polyposis 1; Gastric cancer. Last evaluated: 2018-10-31. Review status: criteria provided, single submitter. Criteria: ACMG Guidelines, 2015. Collection method: clinical testing. Allele origin: unknown.

Counsyl
Classification: Uncertain significance for Familial adenomatous polyposis 1. Last evaluated: 2016-05-20. Review status: no assertion criteria provided. Collection method: clinical testing. Allele origin: unknown. Not counted in ClinVar's aggregate classification.

Literature cited by the submitters: PubMed 26580448 (cited by 5 submitters); PubMed 26976419 (cited by 4 submitters).